The following is an entry in ClinVar:

NM_002838.5(PTPRC):c.446C>T (p.Pro149Leu)

Gene: PTPRC (protein tyrosine phosphatase receptor type C; plus strand). Cytogenetic location: 1q32.1.
Variant type: single nucleotide variant.
Coding change: c.446C>T on transcript NM_002838.5 (MANE Select); coding-DNA position 446, C replaced by T.
Protein change: p.Pro149Leu; replaces proline 149 with leucine.
Molecular consequence: missense variant. On other transcripts: intron variant (1).
Genome position (GRCh38, 1-based): chr1:198,702,393, C>T. VCF-style: chr1-198702393-C-T. GRCh37 (hg19) VCF-style: chr1-198671522-C-T.
Other names: c.101-905C>T (NM_080921.4); c.440C>T (NM_002838.3); short protein forms P149L.
Identifiers: ClinVar variation 953442 (VCV000953442.9), dbSNP rs560558320, ClinGen allele CA1314507.

ClinVar aggregate classification (germline): Uncertain significance. Review status: criteria provided, multiple submitters, no conflicts (2 of 4 stars). 2 submissions from 2 submitters: Uncertain significance (2). Last evaluated 2024-06-13.

Conditions:
Immunodeficiency 104. Also called: Severe combined immunodeficiency, autosomal recessive, T cell-negative, B cell-positive, NK cell-positive; IMMUNODEFICIENCY 104, SEVERE COMBINED; SCID, AUTOSOMAL RECESSIVE, T CELL-NEGATIVE, B CELL-POSITIVE, NK CELL-POSITIVE; Severe Combined Immune Deficiency, Autosomal Recessive, TCell -Negative, B Cell-Positive, NK Cell-Positive, IL7R-Related. Identifiers: MedGen C5676890, MONDO:0012163, OMIM 608971.
Inborn genetic diseases. Identifiers: MedGen C0950123, MeSH D030342.

Allele frequency attached by ClinVar (database versions not stated): gnomAD exomes 0.00007 and 0.00005; 1000 Genomes Project 0.00020; 1000 Genomes Project 30x 0.00031; TOPMed 0.00002; gnomAD 0.00004 and 0.00005; ExAC 0.00005.
gnomAD v4.1: 77 of 1,614,158 alleles (0.0048%); highest among the groups gnomAD compares: South Asian, 0.052%; 2 homozygotes.

Submissions (2):

Ambry Genetics
Classification: Uncertain significance for Inborn genetic diseases. Last evaluated: 2024-06-13. Review status: criteria provided, single submitter. Criteria: Ambry Variant Classification Scheme 2023. Collection method: clinical testing. Allele origin: germline.

Labcorp Genetics (formerly Invitae), Labcorp
Classification: Uncertain significance for Immunodeficiency 104. Last evaluated: 2024-01-22. Review status: criteria provided, single submitter. Criteria: Invitae Variant Classification Sherloc (09022015). Collection method: clinical testing. Allele origin: germline.
Comment: This sequence change replaces proline, which is neutral and non-polar, with leucine, which is neutral and non-polar, at codon 149 of the PTPRC protein (p.Pro149Leu). This variant is present in population databases (rs560558320, gnomAD 0.04%), including at least one homozygous and/or hemizygous individual. This variant has not been reported in the literature in individuals affected with PTPRC-related conditions. ClinVar contains an entry for this variant (Variation ID: 953442). An algorithm developed to predict the effect of missense changes on protein structure and function (PolyPhen-2) suggests that this variant¬†is likely to be tolerated. In summary, the available evidence is currently insufficient to determine the role of this variant in disease. Therefore, it has been classified as a Variant of Uncertain Significance.